The following is an entry in ClinVar:

NM_031844.3(HNRNPU):c.1642G>A (p.Asp548Asn)

Gene: HNRNPU (heterogeneous nuclear ribonucleoprotein U; minus strand). Cytogenetic location: 1q44.
Variant type: single nucleotide variant.
Coding change: c.1642G>A on transcript NM_031844.3 (MANE Select); coding-DNA position 1642, G replaced by A.
Protein change: p.Asp548Asn; replaces aspartic acid 548 with asparagine.
Molecular consequence: missense variant.
Genome position (GRCh38, 1-based): chr1:244,856,829, C>T on the plus strand (G>A on the coding strand, the complement: HNRNPU is on the minus strand). VCF-style: chr1-244856829-C-T. GRCh37 (hg19) VCF-style: chr1-245020131-C-T.
Other names: c.1585G>A, p.Asp529Asn (NM_004501.3); short protein forms D548N, D529N.
Identifiers: ClinVar variation 446391 (VCV000446391.9), dbSNP rs1553282397, ClinGen allele CA345490040.
Genomic context (GRCh38, chr1:244,856,829, plus strand): 5'-CAATAAATTTCCCAAGACACTGGGGGGCTCTCTGCAACAGTGTGTTCAGTTTTCCAGTAT[C>T]TGCCATTTGCTTCTTAAAACCTGCCACCTATATTCAAAAGTTAAAATTTCCCCTTGAACT-3'
Protein context (NP_114032.2, residues 538-558): MVAGFKKQMA[Asp548Asn]TGKLNTLLQR

ClinVar aggregate classification (germline): Uncertain significance (1 of 4 stars; one submission).

Conditions:
Developmental and epileptic encephalopathy, 54. Also called: HNRNPU-Related Neurodevelopmental Disorder; Epileptic encephalopathy, early infantile, 54. Identifiers: MedGen C4479319, MONDO:0033363, OMIM 617391.

Submission:

Labcorp Genetics (formerly Invitae), Labcorp
Classification: Uncertain significance for Developmental and epileptic encephalopathy, 54. Last evaluated: 2019-09-12. Review status: criteria provided, single submitter. Criteria: Invitae Variant Classification Sherloc (09022015). Collection method: clinical testing. Allele origin: germline.
Comment: In summary, the available evidence is currently insufficient to determine the role of this variant in disease. Therefore, it has been classified as a Variant of Uncertain Significance. Algorithms developed to predict the effect of missense changes on protein structure and function do not agree on the potential impact of this missense change (SIFT: "Tolerated"; PolyPhen-2: "Unknown"; Align-GVGD: "Class C0"). This variant has not been reported in the literature in individuals with HNRNPU-related disease. This variant is not present in population databases (ExAC no frequency). This sequence change replaces aspartic acid with asparagine at codon 548 of the HNRNPU protein (p.Asp548Asn). The aspartic acid residue is highly conserved and there is a small physicochemical difference between aspartic acid and asparagine.